The following is an entry in ClinVar:

ClinVar aggregate classification (germline): Uncertain significance. Review status: criteria provided, multiple submitters, no conflicts (2 of 4 stars). 2 submissions from 2 submitters: Uncertain significance (2). Last evaluated 2024-03-27.

Conditions:
Hypertrophic cardiomyopathy. Also called: HYPERTROPHIC MYOCARDIOPATHY. Identifiers: Orphanet 217569, MedGen C0007194, MeSH D002312, MONDO:0005045, HP:0001639.

Allele frequency attached by ClinVar (database versions not stated): TOPMed below 0.00001; gnomAD exomes 0.00001.

Submissions (2):

Labcorp Genetics (formerly Invitae), Labcorp
Classification: Uncertain significance for Hypertrophic cardiomyopathy. Last evaluated: 2024-03-27. Review status: criteria provided, single submitter. Criteria: Invitae Variant Classification Sherloc (09022015). Collection method: clinical testing. Allele origin: germline.
Comment: This sequence change replaces valine, which is neutral and non-polar, with leucine, which is neutral and non-polar, at codon 244 of the MYOM1 protein (p.Val244Leu). This variant is not present in population databases (gnomAD no frequency). This variant has not been reported in the literature in individuals affected with MYOM1-related conditions. Advanced modeling of protein sequence and biophysical properties (such as structural, functional, and spatial information, amino acid conservation, physicochemical variation, residue mobility, and thermodynamic stability) performed at Invitae indicates that this missense variant is not expected to disrupt MYOM1 protein function with a negative predictive value of 80%. In summary, the available evidence is currently insufficient to determine the role of this variant in disease. Therefore, it has been classified as a Variant of Uncertain Significance.

Ambry Genetics
Classification: Uncertain significance. Last evaluated: 2023-11-05. Review status: criteria provided, single submitter. Criteria: Ambry Variant Classification Scheme 2023. Collection method: clinical testing. Allele origin: germline.
Comment: The p.V244L variant (also known as c.730G>C), located in coding exon 3 of the MYOM1 gene, results from a G to C substitution at nucleotide position 730. The valine at codon 244 is replaced by leucine, an amino acid with highly similar properties. This amino acid position is conserved. In addition, this alteration is predicted to be tolerated by in silico analysis. Since supporting evidence is limited at this time, the clinical significance of this alteration remains unclear.

NM_003803.4(MYOM1):c.730G>C (p.Val244Leu)

Gene: MYOM1 (myomesin 1; minus strand). Cytogenetic location: 18p11.31.
Variant type: single nucleotide variant.
Coding change: c.730G>C on transcript NM_003803.4 (MANE Select); coding-DNA position 730, G replaced by C.
Protein change: p.Val244Leu; replaces valine 244 with leucine.
Molecular consequence: missense variant.
Genome position (GRCh38, 1-based): chr18:3,188,789, C>G on the plus strand (G>C on the coding strand, the complement: MYOM1 is on the minus strand). VCF-style: chr18-3188789-C-G. GRCh37 (hg19) VCF-style: chr18-3188787-C-G.
Other names: c.730G>C, p.Val244Leu (NM_019856.2); short protein forms V244L.
Identifiers: ClinVar variation 2723185 (VCV002723185.4), dbSNP rs2080860129, ClinGen allele CA401716486.
Genomic context (GRCh38, chr18:3,188,789, plus strand): 5'-TTAAACTGTCTTTTCTTACTGTTTTCCTCAGGGACAGGCGTTCTGCCTTTTCTCGAATCA[C>G]AACTTTCCTTGACTTCTTTTCAGAAGTTTCTTCCTGTTGAAGAGCGGATGTGGCCTGTTT-3'
Protein context (NP_003794.3, residues 234-254): ETSEKKSRKV[Val244Leu]IREKAERLSL